The following is an entry in ClinVar:

NM_015570.4(AUTS2):c.3442C>A (p.His1148Asn)

Gene: AUTS2 (activator of transcription and developmental regulator AUTS2; plus strand). Cytogenetic location: 7q11.22.
Variant type: single nucleotide variant.
Coding change: c.3442C>A on transcript NM_015570.4 (MANE Select); coding-DNA position 3442, C replaced by A.
Protein change: p.His1148Asn; replaces histidine 1148 with asparagine.
Molecular consequence: missense variant.
Genome position (GRCh38, 1-based): chr7:70,790,658, C>A. VCF-style: chr7-70790658-C-A. GRCh37 (hg19) VCF-style: chr7-70255644-C-A.
Other names: c.3370C>A, p.His1124Asn (NM_001127231.3); short protein forms H1124N, H1148N.
Identifiers: ClinVar variation 2628697 (VCV002628697.1), dbSNP rs1020426087, ClinGen allele CA160017356.
Genomic context (GRCh38, chr7:70,790,658, plus strand): 5'-CACCACCACCACCACCACCCGCTGTCTGTGGACCCTCGGCGGGAGCACGAGCGGGGAGGC[C>A]ACCTGGACGAGCGGGAGCGCTTGCACATGCTCAGAGAAGACTACGAGCACACGCGGCTCC-3'
Protein context (NP_056385.1, residues 1138-1158): DPRREHERGG[His1148Asn]LDERERLHML

ClinVar aggregate classification (germline): Uncertain significance (1 of 4 stars; one submission).

Conditions:
AUTS2-related disorder. Also called: AUTS2-related condition.

Allele frequency attached by ClinVar (database versions not stated): TOPMed below 0.00001.

Submission:

PreventionGenetics, part of Exact Sciences
Classification: Uncertain significance for AUTS2-related condition. Last evaluated: 2023-09-03. Review status: criteria provided, single submitter. Criteria: ACMG Guidelines, 2015. Collection method: clinical testing. Allele origin: germline.
Comment: The AUTS2 c.3442C>A variant is predicted to result in the amino acid substitution p.His1148Asn. To our knowledge, this variant has not been reported in the literature or in a large population database, indicating this variant is rare. At this time, the clinical significance of this variant is uncertain due to the absence of conclusive functional and genetic evidence.